The following is an entry in ClinVar:

ClinVar aggregate classification (germline): Uncertain significance (1 of 4 stars; one submission).

Conditions:
Glycogen storage disease, type II (IOPD). Also called: Pompe Disease; Glucosidase acid-1,4-alpha deficiency; CARDIOMEGALIA GLYCOGENICA DIFFUSA; POMPE DISEASE, INFANTILE-ONSET; GLYCOGEN STORAGE DISEASE II, INFANTILE-ONSET; ACID ALPHA-GLUCOSIDASE DEFICIENCY, INFANTILE-ONSET. Identifiers: Orphanet 365, MedGen C0017921, MONDO:0009290, OMIM 232300.

gnomAD v4.1: 8 of 1,606,826 alleles (0.0005%); highest among the groups gnomAD compares: Non-Finnish European, 0.00068%; no homozygotes.

Submission:

Labcorp Genetics (formerly Invitae), Labcorp
Classification: Uncertain significance for Glycogen storage disease, type II. Last evaluated: 2025-08-30. Review status: criteria provided, single submitter. Criteria: Invitae Variant Classification Sherloc (09022015). Collection method: clinical testing. Allele origin: germline.
Comment: This sequence change replaces proline, which is neutral and non-polar, with serine, which is neutral and polar, at codon 629 of the GAA protein (p.Pro629Ser). This variant is not present in population databases (gnomAD no frequency). This variant has not been reported in the literature in individuals affected with GAA-related conditions. ClinVar contains an entry for this variant (Variation ID: 2107653). Invitae Evidence Modeling of protein sequence and biophysical properties (such as structural, functional, and spatial information, amino acid conservation, physicochemical variation, residue mobility, and thermodynamic stability) indicates that this missense variant is not expected to disrupt GAA protein function with a negative predictive value of 95%. In summary, the available evidence is currently insufficient to determine the role of this variant in disease. Therefore, it has been classified as a Variant of Uncertain Significance.

NM_000152.5(GAA):c.1885C>T (p.Pro629Ser)

Gene: GAA (alpha glucosidase; plus strand). Cytogenetic location: 17q25.3.
Variant type: single nucleotide variant.
Coding change: c.1885C>T on transcript NM_000152.5 (MANE Select); coding-DNA position 1885, C replaced by T.
Protein change: p.Pro629Ser; replaces proline 629 with serine.
Molecular consequence: missense variant.
Genome position (GRCh38, 1-based): chr17:80,112,708, C>T. VCF-style: chr17-80112708-C-T. GRCh37 (hg19) VCF-style: chr17-78086507-C-T.
Other names: c.1885C>T, p.Pro629Ser (NM_001079803.3, NM_001079804.3, NM_001406741.1 and 1 more transcripts); short protein forms P629S.
Identifiers: ClinVar variation 2107653 (VCV002107653.4), dbSNP rs753420582, ClinGen allele CA294896534.
Genomic context (GRCh38, chr17:80,112,708, plus strand): 5'-TACGCCGGCCACTGGACGGGGGACGTGTGGAGCTCCTGGGAGCAGCTCGCCTCCTCCGTG[C>T]CAGGTGAGCTCCTACCAGGAGGGGCTGCTCAGCAGAGTAGAGCCGGGGGCCTCTATGGGA-3'
Protein context (NP_000143.2, residues 619-639): SSWEQLASSV[Pro629Ser]EILQFNLLGV